The following is an entry in ClinVar:

ClinVar aggregate classification (germline): Uncertain significance (1 of 4 stars; one submission).

Conditions:
Primary ciliary dyskinesia. Also called: Ciliary dyskinesia. Identifiers: Orphanet 244, MedGen C0008780, MONDO:0016575, HP:0012265.

Allele frequency attached by ClinVar (database versions not stated): TOPMed below 0.00001; gnomAD 0.00001.
gnomAD v4.1: 5 of 1,613,904 alleles (0.00031%); highest among the groups gnomAD compares: South Asian, 0.0011%; no homozygotes.

Submission:

Labcorp Genetics (formerly Invitae), Labcorp
Classification: Uncertain significance for Primary ciliary dyskinesia. Last evaluated: 2024-01-02. Review status: criteria provided, single submitter. Criteria: Invitae Variant Classification Sherloc (09022015). Collection method: clinical testing. Allele origin: germline.
Comment: This sequence change replaces arginine, which is basic and polar, with glutamine, which is neutral and polar, at codon 1840 of the DNAH5 protein (p.Arg1840Gln). This variant is present in population databases (no rsID available, gnomAD 0.003%). This variant has not been reported in the literature in individuals affected with DNAH5-related conditions. Advanced modeling of protein sequence and biophysical properties (such as structural, functional, and spatial information, amino acid conservation, physicochemical variation, residue mobility, and thermodynamic stability) performed at Invitae indicates that this missense variant is not expected to disrupt DNAH5 protein function with a negative predictive value of 95%. In summary, the available evidence is currently insufficient to determine the role of this variant in disease. Therefore, it has been classified as a Variant of Uncertain Significance.

NM_001369.3(DNAH5):c.5519G>A (p.Arg1840Gln)

Gene: DNAH5 (dynein axonemal heavy chain 5; minus strand). Cytogenetic location: 5p15.2.
Variant type: single nucleotide variant.
Coding change: c.5519G>A on transcript NM_001369.3 (MANE Select); coding-DNA position 5519, G replaced by A.
Protein change: p.Arg1840Gln; replaces arginine 1840 with glutamine.
Molecular consequence: missense variant.
Genome position (GRCh38, 1-based): chr5:13,841,096, C>T on the plus strand (G>A on the coding strand, the complement: DNAH5 is on the minus strand). VCF-style: chr5-13841096-C-T. GRCh37 (hg19) VCF-style: chr5-13841205-C-T.
Other names: short protein forms R1840Q.
Identifiers: ClinVar variation 2967056 (VCV002967056.3), dbSNP rs1253748219, ClinGen allele CA359210173.